The following is an entry in ClinVar:

NM_004370.6(COL12A1):c.7025T>C (p.Val2342Ala)

Gene: COL12A1 (collagen type XII alpha 1 chain; minus strand). Cytogenetic location: 6q13.
Variant type: single nucleotide variant.
Coding change: c.7025T>C on transcript NM_004370.6 (MANE Select); coding-DNA position 7025, T replaced by C.
Protein change: p.Val2342Ala; replaces valine 2342 with alanine.
Molecular consequence: missense variant.
Genome position (GRCh38, 1-based): chr6:75,121,363, A>G on the plus strand (T>C on the coding strand, the complement: COL12A1 is on the minus strand). VCF-style: chr6-75121363-A-G. GRCh37 (hg19) VCF-style: chr6-75831079-A-G.
Other names: c.3533T>C, p.Val1178Ala (NM_080645.3); short protein forms V2342A, V1178A.
Identifiers: ClinVar variation 572611 (VCV000572611.9), dbSNP rs778958906, ClinGen allele CA3892666.
Genomic context (GRCh38, chr6:75,121,363, plus strand): 5'-TGAATCCCAGCAGGACTGATTTCATCAAAGCCTCCCACAGTATTGAAGATGAATTTTACA[A>G]CTTTGTTAAAATTATCGTCCCCAATGCTCCAGGAGGCATCAGTCAAGAACACAATATCTG-3'
Protein context (NP_004361.3, residues 2332-2352): WSIGDDNFNK[Val2342Ala]VKFIFNTVGG

ClinVar aggregate classification (germline): Uncertain significance (1 of 4 stars; one submission).

Conditions:
Ullrich congenital muscular dystrophy 2 (UCMD2). Identifiers: Orphanet 75840, MedGen C4225314, MONDO:0014654, OMIM 616470.
Bethlem myopathy 2 (BTHLM2). Identifiers: Orphanet 536516, Orphanet 610, MedGen C4225313, MONDO:0034022, OMIM 616471.

Allele frequency attached by ClinVar (database versions not stated): ExAC 0.00001.

Submission:

Labcorp Genetics (formerly Invitae), Labcorp
Classification: Uncertain significance for Bethlem myopathy 2; Ullrich congenital muscular dystrophy 2. Last evaluated: 2023-05-27. Review status: criteria provided, single submitter. Criteria: Invitae Variant Classification Sherloc (09022015). Collection method: clinical testing. Allele origin: germline.
Comment: In summary, the available evidence is currently insufficient to determine the role of this variant in disease. Therefore, it has been classified as a Variant of Uncertain Significance. Advanced modeling of protein sequence and biophysical properties (such as structural, functional, and spatial information, amino acid conservation, physicochemical variation, residue mobility, and thermodynamic stability) has been performed at Invitae for this missense variant, however the output from this modeling did not meet the statistical confidence thresholds required to predict the impact of this variant on COL12A1 protein function. ClinVar contains an entry for this variant (Variation ID: 572611). This variant has not been reported in the literature in individuals affected with COL12A1-related conditions. This variant is present in population databases (rs778958906, gnomAD 0.0009%). This sequence change replaces valine, which is neutral and non-polar, with alanine, which is neutral and non-polar, at codon 2342 of the COL12A1 protein (p.Val2342Ala).